The following is an entry in ClinVar:

NM_001103.4(ACTN2):c.579C>G (p.His193Gln)

Gene: ACTN2 (actinin alpha 2; plus strand). Cytogenetic location: 1q43.
Variant type: single nucleotide variant.
Coding change: c.579C>G on transcript NM_001103.4 (MANE Select); coding-DNA position 579, C replaced by G.
Protein change: p.His193Gln; replaces histidine 193 with glutamine.
Molecular consequence: missense variant. On other transcripts: non-coding transcript variant (1).
Genome position (GRCh38, 1-based): chr1:236,727,720, C>G. VCF-style: chr1-236727720-C-G. GRCh37 (hg19) VCF-style: chr1-236891020-C-G.
Other names: c.579C>G, p.His193Gln (NM_001278343.2); c.-243C>G (NM_001278344.2); c.-368C>G (NM_001412150.1); short protein forms H193Q.
Identifiers: ClinVar variation 2571733 (VCV002571733.2), dbSNP rs868426409, ClinGen allele CA345375493.

ClinVar aggregate classification (germline): Uncertain significance. Review status: criteria provided, multiple submitters, no conflicts (2 of 4 stars). 2 submissions from 2 submitters: Uncertain significance (2). Last evaluated 2025-06-26.

Conditions:
Cardiovascular phenotype. Identifiers: MedGen CN230736.

Allele frequency attached by ClinVar (database versions not stated): gnomAD exomes below 0.00001.
gnomAD v4.1: 1 of 1,614,198 alleles (0.000062%); highest among the groups gnomAD compares: Non-Finnish European, 0.000085%; no homozygotes.

Submissions (2):

Ambry Genetics
Classification: Uncertain significance for Cardiovascular phenotype. Last evaluated: 2025-06-26. Review status: criteria provided, single submitter. Criteria: Ambry Variant Classification Scheme 2023. Collection method: clinical testing. Allele origin: germline.

GeneDx
Classification: Uncertain significance. Last evaluated: 2023-01-06. Review status: criteria provided, single submitter. Criteria: GeneDx Variant Classification Process June 2021. Collection method: clinical testing. Allele origin: germline. Affected: yes.
Comment: Not observed at significant frequency in large population cohorts (gnomAD); In silico analysis supports that this missense variant has a deleterious effect on protein structure/function; Has not been previously published as pathogenic or benign to our knowledge